The following is an entry in ClinVar:

ClinVar aggregate classification (germline): Likely benign (1 of 4 stars; one submission).

Allele frequency attached by ClinVar (database versions not stated): ExAC 0.00002; TOPMed 0.00004; gnomAD 0.00005; gnomAD exomes 0.00006.
gnomAD v4.1: 96 of 1,613,944 alleles (0.0059%); highest among the groups gnomAD compares: Non-Finnish European, 0.0078%; no homozygotes.

Submission:

CeGaT Center for Human Genetics Tuebingen
Classification: Likely benign. Last evaluated: 2022-12-01. Review status: criteria provided, single submitter. Criteria: CeGaT Center For Human Genetics Tuebingen Variant Classification Criteria Version 2. Collection method: clinical testing. Allele origin: germline. Affected: yes. Observed: 1 variant allele.
Comment: TTC5: BP4, BP7

NM_138376.3(TTC5):c.588T>G (p.Thr196=)

Gene: TTC5 (tetratricopeptide repeat domain 5; minus strand). Cytogenetic location: 14q11.2.
Variant type: single nucleotide variant.
Coding change: c.588T>G on transcript NM_138376.3 (MANE Select); coding-DNA position 588, T replaced by G.
Protein change: p.Thr196=; no amino-acid change (threonine 196 retained).
Molecular consequence: synonymous variant.
Genome position (GRCh38, 1-based): chr14:20,298,848, A>C on the plus strand (T>G on the coding strand, the complement: TTC5 is on the minus strand). VCF-style: chr14-20298848-A-C. GRCh37 (hg19) VCF-style: chr14-20767007-A-C.
Identifiers: ClinVar variation 2644044 (VCV002644044.24), dbSNP rs750955913, ClinGen allele CA7077003.